The following is an entry in ClinVar:

ClinVar aggregate classification (germline): Uncertain significance (1 of 4 stars; one submission).

Conditions:
Inborn genetic diseases. Identifiers: MedGen C0950123, MeSH D030342.

gnomAD v4.1: 4 of 1,611,344 alleles (0.00025%); highest among the groups gnomAD compares: South Asian, 0.0033%; no homozygotes.

Submission:

Ambry Genetics
Classification: Uncertain significance for Inborn genetic diseases. Last evaluated: 2025-03-20. Review status: criteria provided, single submitter. Criteria: Ambry Variant Classification Scheme 2023. Collection method: clinical testing. Allele origin: germline.
Comment: The p.S735T variant (also known as c.2204G>C), located in coding exon 24 of the FANCA gene, results from a G to C substitution at nucleotide position 2204. The serine at codon 735 is replaced by threonine, an amino acid with similar properties. This amino acid position is conserved. In addition, this alteration is predicted to be tolerated by in silico analysis. Based on the available evidence, the clinical significance of this variant remains unclear.

NM_000135.4(FANCA):c.2204G>C (p.Ser735Thr)

Gene: FANCA (FA complementation group A; minus strand). Cytogenetic location: 16q24.3.
Variant type: single nucleotide variant.
Coding change: c.2204G>C on transcript NM_000135.4 (MANE Select); coding-DNA position 2204, G replaced by C.
Protein change: p.Ser735Thr; replaces serine 735 with threonine.
Molecular consequence: missense variant.
Genome position (GRCh38, 1-based): chr16:89,770,582, C>G on the plus strand (G>C on the coding strand, the complement: FANCA is on the minus strand). VCF-style: chr16-89770582-C-G. GRCh37 (hg19) VCF-style: chr16-89836990-C-G.
Other names: c.2204G>C, p.Ser735Thr (NM_001286167.3); short protein forms S735T.
Identifiers: ClinVar variation 4022099 (VCV004022099.1).